The following is an entry in ClinVar:

ClinVar aggregate classification (germline): Benign/Likely benign. Review status: criteria provided, multiple submitters, no conflicts (2 of 4 stars). 9 submissions from 9 submitters: Benign (8); Likely benign (1). Last evaluated 2026-02-04.

Conditions:
Combined immunodeficiency due to ZAP70 deficiency (IMD48). Also called: ZAP70 Deficiency; Immunodeficiency 48. Identifiers: Orphanet 911, MedGen C2931299, MONDO:0010023, OMIM 269840.

Allele frequency attached by ClinVar (database versions not stated): 1000 Genomes Project 30x 0.15006; 1000 Genomes Project 0.14836; gnomAD 0.26762 and 0.27555; ESP Exome Variant Server 0.26865; ExAC 0.30124; TOPMed 0.23936; gnomAD exomes 0.27284 and 0.32852.
gnomAD v4.1: 517,357 of 1,611,638 alleles (32%); highest among the groups gnomAD compares: Non-Finnish European, 36%; 91,892 homozygotes.

Submissions (9):

Labcorp Genetics (formerly Invitae), Labcorp
Classification: Benign for Combined immunodeficiency due to ZAP70 deficiency. Last evaluated: 2026-02-04. Review status: criteria provided, single submitter. Criteria: Invitae Variant Classification Sherloc (09022015). Collection method: clinical testing. Allele origin: germline.

Blueprint Genetics
Classification: Likely benign. Last evaluated: 2024-11-26. Review status: criteria provided, single submitter. Criteria: ACMG Guidelines, 2015. Collection method: clinical testing. Allele origin: germline.

Unidad de Genómica Garrahan, Hospital de Pediatría Garrahan
Classification: Benign. Last evaluated: 2023-11-12. Review status: criteria provided, single submitter. Criteria: ACMG Guidelines, 2015. Collection method: clinical testing. Allele origin: germline. Affected: no. Observed: 37 variant alleles.
Comment: This variant is classified as Benign based on local population frequency. This variant was detected in 39% of patients studied by a panel of primary immunodeficiencies. Number of patients: 37. Only high quality variants are reported.

Mayo Clinic Laboratories, Mayo Clinic
Classification: Benign. Last evaluated: 2018-03-23. Review status: criteria provided, single submitter. Criteria: ACMG Guidelines, 2015. Collection method: clinical testing. Allele origin: germline. Observed: 427 variant alleles.

Illumina Laboratory Services, Illumina
Classification: Benign for Combined immunodeficiency due to ZAP70 deficiency. Last evaluated: 2018-01-13. Review status: criteria provided, single submitter. Criteria: ICSL Variant Classification Criteria 13 December 2019. Collection method: clinical testing. Allele origin: germline.
Comment: This variant was observed in the ICSL laboratory as part of a predisposition screen in an ostensibly healthy population. It had not been previously curated by ICSL or reported in the Human Gene Mutation Database (HGMD: prior to June 1st, 2018), and was therefore a candidate for classification through an automated scoring system. Utilizing variant allele frequency, disease prevalence and penetrance estimates, and inheritance mode, an automated score was calculated to assess if this variant is too frequent to cause the disease. Based on the score and internal cut-off values, a variant classified as benign is not then subjected to further curation. The score for this variant resulted in a classification of benign for this disease.

Eurofins Ntd Llc (ga)
Classification: Benign. Last evaluated: 2016-06-11. Review status: criteria provided, single submitter. Criteria: EGL Classification Definitions 2015. Collection method: clinical testing. Allele origin: germline. Observed: 1 variant allele, 1 homozygote.

Laboratory for Molecular Medicine, Mass General Brigham Personalized Medicine
Classification: Benign. Last evaluated: 2016-03-28. Review status: criteria provided, single submitter. Criteria: LMM Criteria. Collection method: clinical testing. Allele origin: germline.
Comment: Variant identified in a genome or exome case(s) and assessed due to predicted null impact of the variant or pathogenic assertions in the literature or databases. Disclaimer: This variant has not undergone full assessment. The following are preliminary notes: Frequency

GeneDx
Classification: Benign. Last evaluated: 2013-01-07. Review status: criteria provided, single submitter. Criteria: GeneDx Variant Classification (06012015). Collection method: clinical testing. Allele origin: germline. Affected: yes.
Comment: This variant is considered likely benign or benign based on one or more of the following criteria: it is a conservative change, it occurs at a poorly conserved position in the protein, it is predicted to be benign by multiple in silico algorithms, and/or has population frequency not consistent with disease.

Breakthrough Genomics
Classification: Benign. Review status: criteria provided, single submitter. Criteria: ACMG Guidelines, 2015. Collection method: not provided. Allele origin: germline. Inheritance: Autosomal recessive inheritance. Affected: yes.

NM_001079.4(ZAP70):c.1677G>A (p.Glu559=)

Gene: ZAP70 (zeta chain of T cell receptor associated protein kinase 70; plus strand). Cytogenetic location: 2q11.2.
Variant type: single nucleotide variant.
Coding change: c.1677G>A on transcript NM_001079.4 (MANE Select); coding-DNA position 1677, G replaced by A.
Protein change: p.Glu559=; no amino-acid change (glutamic acid 559 retained).
Molecular consequence: synonymous variant.
Genome position (GRCh38, 1-based): chr2:97,738,048, G>A. VCF-style: chr2-97738048-G-A. GRCh37 (hg19) VCF-style: chr2-98354511-G-A.
Other names: p.E559E:GAG>GAA; p.Glu559=; c.1677G>A, p.Glu559= (NM_001378594.1); c.756G>A, p.Glu252= (NM_207519.2).
Identifiers: ClinVar variation 137941 (VCV000137941.24), dbSNP rs3192177, ClinGen allele CA291662.
Genomic context (GRCh38, chr2:97,738,048, plus strand): 5'-TGAGCAGAAGATGAAAGGGCCGGAGGTCATGGCCTTCATCGAGCAGGGCAAGCGGATGGA[G>A]TGCCCACCAGAGTGTCCACCCGAACTGTACGCACTCATGAGTGACTGCTGGATCTACAAG-3'
Protein context (NP_001070.2, residues 549-569): MAFIEQGKRM[Glu559=]CPPECPPELY